The following is an entry in ClinVar:

NM_000257.4(MYH7):c.5334C>T (p.His1778=)

Gene: MYH7 (myosin heavy chain 7; minus strand). Cytogenetic location: 14q11.2.
Variant type: single nucleotide variant.
Coding change: c.5334C>T on transcript NM_000257.4 (MANE Select); coding-DNA position 5334, C replaced by T.
Protein change: p.His1778=; no amino-acid change (histidine 1778 retained).
Molecular consequence: synonymous variant.
Genome position (GRCh38, 1-based): chr14:23,415,220, G>A on the plus strand (C>T on the coding strand, the complement: MYH7 is on the minus strand). VCF-style: chr14-23415220-G-A. GRCh37 (hg19) VCF-style: chr14-23884429-G-A.
Identifiers: ClinVar variation 918903 (VCV000918903.5), dbSNP rs1420442580, ClinGen allele CA485765848.

ClinVar aggregate classification (germline): Likely benign. Review status: criteria provided, multiple submitters, no conflicts (2 of 4 stars). 3 submissions from 3 submitters: Likely benign (2). 1 of the submissions does not count toward it. Last evaluated 2023-02-24.

Conditions:
MYH7-related disorder. Also called: MYH7-related disorders; MYH7-related condition; MYH7-related disease.
Cardiomyopathy (CMYO). Also called: Cardiomyopathies. Identifiers: Orphanet 167848, MedGen C0878544, MONDO:0004994, HP:0001638. Inheritance: Various modes of inheritance.

Allele frequency attached by ClinVar (database versions not stated): gnomAD exomes below 0.00001.

Submissions (3):

All of Us Research Program, National Institutes of Health
Classification: Likely benign for Cardiomyopathy. Last evaluated: 2023-02-24. Review status: criteria provided, single submitter. Criteria: ACMG Guidelines, 2015. Collection method: clinical testing. Allele origin: germline. Inheritance: Autosomal dominant inheritance. Observed: 1 variant allele, 1 heterozygote.
Comment: This study involves interpretation of variants in research participants for the purpose of population health screening. Participant phenotype was not available at the time of variant classification. Additional details can be found in publication PMID: 35346344, PMCID: PMC8962531

Color Diagnostics, LLC DBA Color Health
Classification: Likely benign for Cardiomyopathy. Last evaluated: 2020-01-14. Review status: criteria provided, single submitter. Criteria: ACMG Guidelines, 2015. Collection method: clinical testing. Allele origin: germline.

PreventionGenetics, part of Exact Sciences
Classification: Likely benign for MYH7-related condition. Last evaluated: 2021-01-11. Review status: no assertion criteria provided. Collection method: clinical testing. Allele origin: germline. Not counted in ClinVar's aggregate classification.
Comment: This variant is classified as likely benign based on ACMG/AMP sequence variant interpretation guidelines (Richards et al. 2015 PMID: 25741868, with internal and published modifications).